The following is an entry in ClinVar:

ClinVar aggregate classification (germline): Pathogenic/Likely pathogenic. Review status: criteria provided, multiple submitters, no conflicts (2 of 4 stars). 2 submissions from 2 submitters: Pathogenic (1); Likely pathogenic (1). Last evaluated 2022-03-14.

Conditions:
Multiple acyl-CoA dehydrogenase deficiency (MADD). Also called: Glutaric aciduria, type 2; Glutaric Acidemia type 2; Glutaric acidemia type II; GA 2; ETHYLMALONIC-ADIPICACIDURIA; GA II. Identifiers: Orphanet 26791, MedGen C0268596, MONDO:0009282, OMIM 231680.

Submissions (2):

Baylor Genetics
Classification: Pathogenic for Multiple acyl-CoA dehydrogenase deficiency. Last evaluated: 2022-03-14. Review status: criteria provided, single submitter. Criteria: ACMG Guidelines, 2015. Collection method: clinical testing. Allele origin: unknown.

Labcorp Genetics (formerly Invitae), Labcorp
Classification: Likely pathogenic for Multiple acyl-CoA dehydrogenase deficiency. Last evaluated: 2020-01-31. Review status: criteria provided, single submitter. Criteria: Invitae Variant Classification Sherloc (09022015). Collection method: clinical testing. Allele origin: germline.
Comment: In summary, the currently available evidence indicates that the variant is pathogenic, but additional data are needed to prove that conclusively. Therefore, this variant has been classified as Likely Pathogenic. Donor and acceptor splice site variants typically lead to a loss of protein function (PMID: 16199547), and loss-of-function variants in ETFDH are known to be pathogenic (PMID: 16510302, 23785301). Algorithms developed to predict the effect of sequence changes on RNA splicing suggest that this variant may disrupt the consensus splice site, but this prediction has not been confirmed by published transcriptional studies. This variant has not been reported in the literature in individuals with ETFDH-related conditions. This variant is not present in population databases (ExAC no frequency). This sequence change affects an acceptor splice site in intron 4 of the ETFDH gene. It is expected to disrupt RNA splicing and likely results in an absent or disrupted protein product.

Literature cited by the submitters: PubMed 16199547 (cited by Labcorp Genetics (formerly Invitae), Labcorp); PubMed 16510302 (cited by Labcorp Genetics (formerly Invitae), Labcorp); PubMed 23785301 (cited by Labcorp Genetics (formerly Invitae), Labcorp).

NM_004453.4(ETFDH):c.488-1G>T

Gene: ETFDH (electron transfer flavoprotein dehydrogenase; plus strand). Cytogenetic location: 4q32.1.
Variant type: single nucleotide variant.
Coding change: c.488-1G>T on transcript NM_004453.4 (MANE Select); the canonical splice acceptor site of the intron before coding-DNA position 488, G replaced by T.
Molecular consequence: splice acceptor variant.
Genome position (GRCh38, 1-based): chr4:158,685,100, G>T. VCF-style: chr4-158685100-G-T. GRCh37 (hg19) VCF-style: chr4-159606252-G-T.
Other names: c.347-1G>T (NM_001281737.2); c.305-1G>T (NM_001281738.1).
Identifiers: ClinVar variation 1066228 (VCV001066228.10), dbSNP rs2150306551, ClinGen allele CA358575254.